The following is an entry in ClinVar:

ClinVar aggregate classification (germline): Uncertain significance (1 of 4 stars; one submission).

Conditions:
Inborn genetic diseases. Identifiers: MedGen C0950123, MeSH D030342.

Submission:

Ambry Genetics
Classification: Uncertain significance for Inborn genetic diseases. Last evaluated: 2025-05-23. Review status: criteria provided, single submitter. Criteria: Ambry Variant Classification Scheme 2023. Collection method: clinical testing. Allele origin: germline.
Comment: The p.S1027A variant (also known as c.3079T>G), located in coding exon 13 of the ASXL1 gene, results from a T to G substitution at nucleotide position 3079. The serine at codon 1027 is replaced by alanine, an amino acid with similar properties. This amino acid position is conserved. In addition, this alteration is predicted to be tolerated by in silico analysis. Based on the available evidence, the clinical significance of this variant remains unclear.

NM_015338.6(ASXL1):c.3079T>G (p.Ser1027Ala)

Gene: ASXL1 (ASXL transcriptional regulator 1; plus strand). Cytogenetic location: 20q11.21.
Variant type: single nucleotide variant.
Coding change: c.3079T>G on transcript NM_015338.6 (MANE Select); coding-DNA position 3079, T replaced by G.
Protein change: p.Ser1027Ala; replaces serine 1027 with alanine.
Molecular consequence: missense variant.
Genome position (GRCh38, 1-based): chr20:32,435,791, T>G. VCF-style: chr20-32435791-T-G. GRCh37 (hg19) VCF-style: chr20-31023594-T-G.
Other names: c.2896T>G, p.Ser966Ala (NM_001363734.1); short protein forms S1027A, S966A.
Identifiers: ClinVar variation 3957222 (VCV003957222.1).